The following is an entry in ClinVar:

NM_015213.4(DENND5A):c.1072C>G (p.Pro358Ala)

Gene: DENND5A (DENN domain containing 5A; minus strand). Cytogenetic location: 11p15.4.
Variant type: single nucleotide variant.
Coding change: c.1072C>G on transcript NM_015213.4 (MANE Select); coding-DNA position 1072, C replaced by G.
Protein change: p.Pro358Ala; replaces proline 358 with alanine.
Molecular consequence: missense variant. On other transcripts: non-coding transcript variant (1).
Genome position (GRCh38, 1-based): chr11:9,193,559, G>C on the plus strand (C>G on the coding strand, the complement: DENND5A is on the minus strand). VCF-style: chr11-9193559-G-C. GRCh37 (hg19) VCF-style: chr11-9215106-G-C.
Other names: c.1072C>G, p.Pro358Ala (NM_001243254.2, NM_001348748.1); c.1000C>G, p.Pro334Ala (NM_001348749.2); c.784C>G, p.Pro262Ala (NM_001348750.2); short protein forms P262A, P334A, P358A.
Identifiers: ClinVar variation 1926064 (VCV001926064.2), dbSNP rs373049315, ClinGen allele CA217542870.

ClinVar aggregate classification (germline): Uncertain significance (1 of 4 stars; one submission).

Allele frequency attached by ClinVar (database versions not stated): ESP Exome Variant Server 0.00008.
gnomAD v4.1: 7 of 1,614,052 alleles (0.00043%); highest among the groups gnomAD compares: Non-Finnish European, 0.00051%; no homozygotes.

Submission:

Labcorp Genetics (formerly Invitae), Labcorp
Classification: Uncertain significance. Last evaluated: 2022-05-06. Review status: criteria provided, single submitter. Criteria: Invitae Variant Classification Sherloc (09022015). Collection method: clinical testing. Allele origin: germline.
Comment: This sequence change replaces proline, which is neutral and non-polar, with alanine, which is neutral and non-polar, at codon 358 of the DENND5A protein (p.Pro358Ala). This variant is present in population databases (rs373049315, gnomAD 0.0009%). This variant has not been reported in the literature in individuals affected with DENND5A-related conditions. Algorithms developed to predict the effect of missense changes on protein structure and function are either unavailable or do not agree on the potential impact of this missense change (SIFT: "Deleterious"; PolyPhen-2: "Probably Damaging"; Align-GVGD: "Class C0"). In summary, the available evidence is currently insufficient to determine the role of this variant in disease. Therefore, it has been classified as a Variant of Uncertain Significance.